The following is an entry in ClinVar:

ClinVar aggregate classification (germline): Likely pathogenic. Review status: criteria provided, multiple submitters, no conflicts (2 of 4 stars). 3 submissions from 3 submitters: Likely pathogenic (3). Last evaluated 2025-09-24.

Conditions:
Holocarboxylase synthetase deficiency. Also called: MULTIPLE CARBOXYLASE DEFICIENCY, EARLY ONSET. Identifiers: Orphanet 79242, MedGen C0268581, MONDO:0009666, OMIM 253270.

Allele frequency attached by ClinVar (database versions not stated): ExAC 0.00001; gnomAD 0.00001; gnomAD exomes 0.00001; TOPMed 0.00001.
gnomAD v4.1: 7 of 1,604,526 alleles (0.00044%); highest among the groups gnomAD compares: Non-Finnish European, 0.00051%; no homozygotes.

Submissions (3):

Women's Health and Genetics/Laboratory Corporation of America, LabCorp
Classification: Likely pathogenic for Holocarboxylase synthetase deficiency. Last evaluated: 2025-09-24. Review status: criteria provided, single submitter. Criteria: LabCorp Variant Classification Summary - May 2015. Collection method: clinical testing. Allele origin: germline.
Comment: Variant summary: HLCS c.-111-1G>C is located in a canonical splice-site and is predicted to affect mRNA splicing resulting in a significantly altered protein due to either exon skipping, shortening, or inclusion of intronic material. Variants that disrupt the consensus splice site are a relatively common cause of aberrant splicing and loss of HLCS function. Several computational tools predict a significant impact on normal splicing: Four predict the variant abolishes a 3' acceptor site. However, these predictions have yet to be confirmed by functional studies. The variant allele was found at a frequency of 4.2e-06 in 239372 control chromosomes. To our knowledge, no occurrence of c.-111-1G>C in individuals affected with HLCS-related conditions and no experimental evidence demonstrating its impact on protein function have been reported. ClinVar contains an entry for this variant (Variation ID: 2676008). Based on the evidence outlined above, the variant was classified as likely pathogenic.

Baylor Genetics
Classification: Likely pathogenic for Holocarboxylase synthetase deficiency. Last evaluated: 2023-07-25. Review status: criteria provided, single submitter. Criteria: ACMG Guidelines, 2015. Collection method: clinical testing. Allele origin: unknown.

Department of Pathology and Laboratory Medicine, Sinai Health System
Classification: Likely pathogenic for Holocarboxylase synthetase deficiency. Last evaluated: 2023-06-28. Review status: criteria provided, single submitter. Criteria: ACMG Guidelines, 2015. Collection method: research. Allele origin: germline.

NM_001352514.2(HLCS):c.331-1G>C

Gene: HLCS (holocarboxylase synthetase; minus strand). Cytogenetic location: 21q22.13.
Variant type: single nucleotide variant.
Coding change: c.331-1G>C on transcript NM_001352514.2 (MANE Select); the canonical splice acceptor site of the intron before coding-DNA position 331, G replaced by C.
Molecular consequence: splice acceptor variant.
Genome position (GRCh38, 1-based): chr21:36,938,995, C>G on the plus strand (G>C on the coding strand, the complement: HLCS is on the minus strand). VCF-style: chr21-36938995-C-G. GRCh37 (hg19) VCF-style: chr21-38311295-C-G.
Other names: c.-111-1G>C (NM_001352517.1, NM_001242785.2, NM_001352515.2 and 4 more transcripts).
Identifiers: ClinVar variation 2676008 (VCV002676008.3), dbSNP rs772810098, ClinGen allele CA10020803.